The following is an entry in ClinVar:

NM_170784.3(MKKS):c.1576C>A (p.Leu526Ile)

Gene: MKKS (MKKS centrosomal shuttling protein; minus strand). Cytogenetic location: 20p12.2.
Variant type: single nucleotide variant.
Coding change: c.1576C>A on transcript NM_170784.3 (MANE Select); coding-DNA position 1576, C replaced by A.
Protein change: p.Leu526Ile; replaces leucine 526 with isoleucine.
Molecular consequence: missense variant. On other transcripts: non-coding transcript variant (1).
Genome position (GRCh38, 1-based): chr20:10,405,384, G>T on the plus strand (C>A on the coding strand, the complement: MKKS is on the minus strand). VCF-style: chr20-10405384-G-T. GRCh37 (hg19) VCF-style: chr20-10386032-G-T.
Other names: c.1576C>A, p.Leu526Ile (NM_018848.3); short protein forms L526I.
Identifiers: ClinVar variation 1446338 (VCV001446338.6), dbSNP rs1239900206, ClinGen allele CA408230593.

ClinVar aggregate classification (germline): Uncertain significance. Review status: criteria provided, multiple submitters, no conflicts (2 of 4 stars). 2 submissions from 2 submitters: Uncertain significance (2). Last evaluated 2024-05-11.

Conditions:
Bardet-Biedl syndrome (BBS). Identifiers: Orphanet 110, MedGen C0752166, MONDO:0015229.
McKusick-Kaufman syndrome (MKKS). Also called: HYDROMETROCOLPOS SYNDROME; HYDROMETROCOLPOS, POSTAXIAL POLYDACTYLY, AND CONGENITAL HEART MALFORMATION. Identifiers: Orphanet 2473, MedGen C0948368, MONDO:0009367, OMIM 236700.
Bardet-Biedl syndrome 6 (BBS6). Identifiers: Orphanet 110, MedGen C1858054, MONDO:0011523, OMIM 605231.

Allele frequency attached by ClinVar (database versions not stated): gnomAD exomes below 0.00001; TOPMed 0.00003.
gnomAD v4.1: 5 of 1,614,088 alleles (0.00031%); highest among the groups gnomAD compares: African/African-American, 0.0067%; no homozygotes.

Submissions (2):

Fulgent Genetics
Classification: Uncertain significance for McKusick-Kaufman syndrome; Bardet-Biedl syndrome 6. Last evaluated: 2024-05-11. Review status: criteria provided, single submitter. Criteria: ACMG Guidelines, 2015. Collection method: clinical testing. Allele origin: germline.

Labcorp Genetics (formerly Invitae), Labcorp
Classification: Uncertain significance for McKusick-Kaufman syndrome; Bardet-Biedl syndrome. Last evaluated: 2022-10-17. Review status: criteria provided, single submitter. Criteria: Invitae Variant Classification Sherloc (09022015). Collection method: clinical testing. Allele origin: germline.
Comment: This sequence change replaces leucine, which is neutral and non-polar, with isoleucine, which is neutral and non-polar, at codon 526 of the MKKS protein (p.Leu526Ile). This variant is present in population databases (no rsID available, gnomAD 0.02%). This variant has not been reported in the literature in individuals affected with MKKS-related conditions. ClinVar contains an entry for this variant (Variation ID: 1446338). Advanced modeling of protein sequence and biophysical properties (such as structural, functional, and spatial information, amino acid conservation, physicochemical variation, residue mobility, and thermodynamic stability) performed at Invitae indicates that this missense variant is not expected to disrupt MKKS protein function. In summary, the available evidence is currently insufficient to determine the role of this variant in disease. Therefore, it has been classified as a Variant of Uncertain Significance.